The following is an entry in ClinVar:

NM_024577.4(SH3TC2):c.894C>T (p.Ile298=)

Gene: SH3TC2 (SH3 domain and tetratricopeptide repeats 2; minus strand). Cytogenetic location: 5q32.
Variant type: single nucleotide variant.
Coding change: c.894C>T on transcript NM_024577.4 (MANE Select); coding-DNA position 894, C replaced by T.
Protein change: p.Ile298=; no amino-acid change (isoleucine 298 retained).
Molecular consequence: synonymous variant.
Genome position (GRCh38, 1-based): chr5:149,038,402, G>A on the plus strand (C>T on the coding strand, the complement: SH3TC2 is on the minus strand). VCF-style: chr5-149038402-G-A. GRCh37 (hg19) VCF-style: chr5-148417965-G-A.
Identifiers: ClinVar variation 379795 (VCV000379795.12), dbSNP rs779808918, ClinGen allele CA3499353.

ClinVar aggregate classification (germline): Benign/Likely benign. Review status: criteria provided, multiple submitters, no conflicts (2 of 4 stars). 5 submissions from 5 submitters: Benign (1); Likely benign (4). Last evaluated 2026-04-04.

Conditions:
SH3TC2-related disorder. Also called: SH3TC2-related disorders; SH3TC2-related condition. Identifiers: MedGen CN239303.
Charcot-Marie-Tooth disease. Also called: Charcot-Marie-Tooth Neuropathy; Charcot-Marie-Tooth Hereditary Neuropathy. Identifiers: Orphanet 166, MedGen C0007959, MONDO:0015626.
Inborn genetic diseases. Identifiers: MedGen C0950123, MeSH D030342.
Charcot-Marie-Tooth disease type 4. Also called: Charcot-Marie-Tooth disease, type IV; Charcot-Marie-Tooth, Type 4. Identifiers: Orphanet 64749, MedGen C4082197, MONDO:0018995.

Allele frequency attached by ClinVar (database versions not stated): ExAC 0.00002; gnomAD exomes 0.00003; TOPMed 0.00005; gnomAD 0.00010.
gnomAD v4.1: 37 of 1,614,054 alleles (0.0023%); highest among the groups gnomAD compares: East Asian, 0.027%; no homozygotes.

Submissions (5):

PreventionGenetics, part of Exact Sciences
Classification: Likely benign for SH3TC2-related condition. Last evaluated: 2026-04-04. Review status: criteria provided, single submitter. Criteria: ACMG Guidelines, 2015. Collection method: clinical testing. Allele origin: germline.
Comment: This variant is classified as likely benign based on ACMG/AMP sequence variant interpretation guidelines (Richards et al. 2015 PMID: 25741868, with internal and published modifications).

Labcorp Genetics (formerly Invitae), Labcorp
Classification: Likely benign for Charcot-Marie-Tooth disease type 4. Last evaluated: 2025-01-27. Review status: criteria provided, single submitter. Criteria: Invitae Variant Classification Sherloc (09022015). Collection method: clinical testing. Allele origin: germline.

Ambry Genetics
Classification: Likely benign for Inborn genetic diseases. Last evaluated: 2019-07-11. Review status: criteria provided, single submitter. Criteria: Ambry Variant Classification Scheme 2023. Collection method: clinical testing. Allele origin: germline.

GeneDx
Classification: Benign. Last evaluated: 2015-08-05. Review status: criteria provided, single submitter. Criteria: GeneDx Variant Classification (06012015). Collection method: clinical testing. Allele origin: germline. Affected: yes.
Comment: This variant is considered likely benign or benign based on one or more of the following criteria: it is a conservative change, it occurs at a poorly conserved position in the protein, it is predicted to be benign by multiple in silico algorithms, and/or has population frequency not consistent with disease.

Molecular Genetics Laboratory, London Health Sciences Centre
Classification: Likely benign for Charcot-Marie-Tooth disease. Review status: criteria provided, single submitter. Criteria: ACMG Guidelines, 2015. Collection method: clinical testing. Allele origin: germline. Affected: yes.